The following is an entry in ClinVar:

NM_003183.6(ADAM17):c.1844T>G (p.Val615Gly)

Genes: ADAM17 (ADAM metallopeptidase domain 17; minus strand), IAH1 (isoamyl acetate hydrolyzing esterase 1 (putative); plus strand). Cytogenetic location: 2p25.1.
Variant type: single nucleotide variant.
Coding change: c.1844T>G on transcript NM_003183.6 (MANE Select); coding-DNA position 1844, T replaced by G.
Protein change: p.Val615Gly; replaces valine 615 with glycine.
Molecular consequence: missense variant.
Genome position (GRCh38, 1-based): chr2:9,494,707, A>C on the plus strand (T>G on the coding strand, the complement: ADAM17 is on the minus strand). VCF-style: chr2-9494707-A-C. GRCh37 (hg19) VCF-style: chr2-9634836-A-C.
Other names: c.1184T>G, p.Val395Gly (NM_001382777.1); c.947T>G, p.Val316Gly (NM_001382778.1); short protein forms V316G, V615G, V395G.
Identifiers: ClinVar variation 2917158 (VCV002917158.1), dbSNP rs2531108440, ClinGen allele CA345797086.

ClinVar aggregate classification (germline): Uncertain significance (1 of 4 stars; one submission).

Conditions:
Inflammatory skin and bowel disease, neonatal, 1. Identifiers: Orphanet 294023, MedGen C3280501, MONDO:0013693, OMIM 614328.

Allele frequency attached by ClinVar (database versions not stated): gnomAD exomes below 0.00001.
gnomAD v4.1: 1 of 1,614,142 alleles (0.000062%); highest among the groups gnomAD compares: Admixed American, 0.0017%; no homozygotes.

Submission:

Labcorp Genetics (formerly Invitae), Labcorp
Classification: Uncertain significance for Inflammatory skin and bowel disease, neonatal, 1. Last evaluated: 2023-10-05. Review status: criteria provided, single submitter. Criteria: Invitae Variant Classification Sherloc (09022015). Collection method: clinical testing. Allele origin: germline.
Comment: This sequence change replaces valine, which is neutral and non-polar, with glycine, which is neutral and non-polar, at codon 615 of the ADAM17 protein (p.Val615Gly). This variant is not present in population databases (gnomAD no frequency). This variant has not been reported in the literature in individuals affected with ADAM17-related conditions. An algorithm developed to predict the effect of missense changes on protein structure and function (PolyPhen-2) suggests that this variant¬†is likely to be tolerated. In summary, the available evidence is currently insufficient to determine the role of this variant in disease. Therefore, it has been classified as a Variant of Uncertain Significance.